The following is an entry in ClinVar:

ClinVar aggregate classification (germline): Pathogenic (1 of 4 stars; one submission).

Conditions:
Kabuki syndrome 1 (KABUK1). Also called: KMT2D-Related Kabuki Syndrome. Identifiers: Orphanet 2322, MedGen CN030661, MONDO:0007843, OMIM 147920.

Submission:

Victorian Clinical Genetics Services, Murdoch Childrens Research Institute
Classification: Pathogenic for Kabuki syndrome 1. Last evaluated: 2024-10-09. Review status: criteria provided, single submitter. Criteria: ACMG Guidelines, 2015. Collection method: clinical testing. Allele origin: germline. Inheritance: Autosomal dominant inheritance. Affected: yes.
Comment: Based on the classification scheme VCGS_Germline_v1.3.4, this variant is classified as Pathogenic. Following criteria are met: 0102 - Loss of function is a known mechanism of disease in this gene and is associated with Kabuki syndrome 1 (MIM#147920) and branchial arch abnormalities, choanal atresia, athelia, hearing loss, and hypothyroidism syndrome (MIM#620186). (I) 0107 - This gene is associated with autosomal dominant disease. (I) 0115 - Variants in this gene are known to have variable expressivity (PMIDs: 21882399, 31949313). (I) 0201 - Variant is predicted to cause nonsense-mediated decay (NMD) and loss of protein (premature termination codon is located at least 54 nucleotides upstream of the final exon-exon junction). (SP) 0251 - This variant is heterozygous. (I) 0301 - Variant is absent from gnomAD (both v2 and v3). (SP) 0701 - Other NMD-predicted variants comparable to the one identified in this case have very strong previous evidence for pathogenicity (DECIPHER). (SP) 0807 - This variant has no previous evidence of pathogenicity. (I) 0905 - No published segregation evidence has been identified for this variant. (I) 1007 - No published functional evidence has been identified for this variant. (SP) Legend: (SP) - Supporting pathogenic, (I) - Information, (SB) - Supporting benign

Literature cited by the submitters: PubMed 21882399; PubMed 31949313.

NM_003482.4(KMT2D):c.1631_1640del (p.Pro544fs)

Gene: KMT2D (lysine methyltransferase 2D; minus strand). Cytogenetic location: 12q13.12.
Variant type: Deletion.
Coding change: c.1631_1640del on transcript NM_003482.4 (MANE Select); coding-DNA positions 1631 to 1640, 10 bases deleted (CCCTGTCCCC; older notation c.1631_1640delCCCTGTCCCC).
Protein change: p.Pro544fs; shifts the reading frame from proline 544.
Molecular consequence: frameshift variant.
Genome position (GRCh38, 1-based): chr12:49,052,043-49,052,052, GGGGACAGGG deleted on the plus strand (CCCTGTCCCC on the coding strand, the reverse complement: KMT2D is on the minus strand); deleting any 10 consecutive bases within chr12:49,052,043-49,052,053 gives the same sequence; the c. name uses the placement nearest the transcript's 3' end. VCF-style (leftmost placement, unchanged base first): chr12-49052042-TGGGGACAGGG-T. GRCh37 (hg19) VCF-style: chr12-49445825-TGGGGACAGGG-T.
Other names: c.1631_1640delCCCTGTCCCC (NM_003482.3); short protein forms P544fs.
Identifiers: ClinVar variation 3377219 (VCV003377219.1).